The following is an entry in ClinVar:

NM_199355.4(ADAMTS18):c.2477A>G (p.Asn826Ser)

Gene: ADAMTS18 (ADAM metallopeptidase with thrombospondin type 1 motif 18; minus strand). Cytogenetic location: 16q23.1.
Variant type: single nucleotide variant.
Coding change: c.2477A>G on transcript NM_199355.4 (MANE Select); coding-DNA position 2477, A replaced by G.
Protein change: p.Asn826Ser; replaces asparagine 826 with serine.
Molecular consequence: missense variant.
Genome position (GRCh38, 1-based): chr16:77,319,904, T>C on the plus strand (A>G on the coding strand, the complement: ADAMTS18 is on the minus strand). VCF-style: chr16-77319904-T-C. GRCh37 (hg19) VCF-style: chr16-77353801-T-C.
Other names: c.1961A>G, p.Asn654Ser (NM_001326358.2); c.2477A>G (NM_199355.2); short protein forms N654S, N826S.
Identifiers: ClinVar variation 1025521 (VCV001025521.6), dbSNP rs200066548, ClinGen allele CA8180897.
Genomic context (GRCh38, chr16:77,319,904, plus strand): 5'-CTTACTTCAAAGACCAGCGTCTCATTTGTGGGCCCTGGCGCGTACAGACGTTCCGGGCGG[T>C]TGAAAGAGCGCTGGTATTCAAACGTGGTCCCAGCGAAGGGGAACTCCCCAGGCCAGTCGA-3'
Protein context (NP_955387.1, residues 816-836): GTTFEYQRSF[Asn826Ser]RPERLYAPGP

ClinVar aggregate classification (germline): Conflicting classifications of pathogenicity. Review status: criteria provided, conflicting classifications (1 of 4 stars). 3 submissions from 3 submitters: Uncertain significance (2); Benign (1). Last evaluated 2025-08-21.

Allele frequency attached by ClinVar (database versions not stated): gnomAD exomes 0.00005 and 0.00016; gnomAD 0.00009; TOPMed 0.00012; ESP Exome Variant Server 0.00015; ExAC 0.00018.
gnomAD v4.1: 83 of 1,613,920 alleles (0.0051%); highest among the groups gnomAD compares: East Asian, 0.15%; no homozygotes.

Submissions (3):

Labcorp Genetics (formerly Invitae), Labcorp
Classification: Uncertain significance. Last evaluated: 2025-08-21. Review status: criteria provided, single submitter. Criteria: Invitae Variant Classification Sherloc (09022015). Collection method: clinical testing. Allele origin: germline.
Comment: This sequence change replaces asparagine, which is neutral and polar, with serine, which is neutral and polar, at codon 826 of the ADAMTS18 protein (p.Asn826Ser). This variant is present in population databases (rs200066548, gnomAD 0.2%). This variant has not been reported in the literature in individuals affected with ADAMTS18-related conditions. ClinVar contains an entry for this variant (Variation ID: 1025521). An algorithm developed to predict the effect of missense changes on protein structure and function (PolyPhen-2) suggests that this variant is likely to be tolerated. In summary, the available evidence is currently insufficient to determine the role of this variant in disease. Therefore, it has been classified as a Variant of Uncertain Significance.

Blueprint Genetics
Classification: Benign. Last evaluated: 2024-08-08. Review status: criteria provided, single submitter. Criteria: ACMG Guidelines, 2015. Collection method: clinical testing. Allele origin: germline.

GeneDx
Classification: Uncertain significance. Last evaluated: 2023-01-08. Review status: criteria provided, single submitter. Criteria: GeneDx Variant Classification Process June 2021. Collection method: clinical testing. Allele origin: germline. Affected: yes.
Comment: In silico analysis supports that this missense variant has a deleterious effect on protein structure/function; Has not been previously published as pathogenic or benign to our knowledge